The following is an entry in ClinVar:

ClinVar aggregate classification (germline): Uncertain significance. Review status: criteria provided, multiple submitters, no conflicts (2 of 4 stars). 2 submissions from 2 submitters: Uncertain significance (2). Last evaluated 2025-11-05.

Conditions:
Dilated cardiomyopathy 1G (CMD1G). Identifiers: Orphanet 154, MedGen C1858763, MONDO:0011400, OMIM 604145.
Autosomal recessive limb-girdle muscular dystrophy type 2J (LGMDR10). Also called: Limb-girdle muscular dystrophy, type 2J; MUSCULAR DYSTROPHY, LIMB-GIRDLE, AUTOSOMAL RECESSIVE 10. Identifiers: Orphanet 140922, MedGen C1837342, MONDO:0012127, OMIM 608807.
Hypertrophic cardiomyopathy 9. Also called: Familial hypertrophic cardiomyopathy 9. Identifiers: MedGen C1861065, MONDO:0013412, OMIM 613765.

Allele frequency attached by ClinVar (database versions not stated): gnomAD 0.00001; gnomAD exomes 0.00001 and 0.00002; ExAC 0.00003.
gnomAD v4.1: 11 of 1,612,458 alleles (0.00068%); highest among the groups gnomAD compares: East Asian, 0.011%; no homozygotes.

Submissions (2):

Labcorp Genetics (formerly Invitae), Labcorp
Classification: Uncertain significance for Dilated cardiomyopathy 1G; Autosomal recessive limb-girdle muscular dystrophy type 2J. Last evaluated: 2025-11-05. Review status: criteria provided, single submitter. Criteria: Invitae Variant Classification Sherloc (09022015). Collection method: clinical testing. Allele origin: germline.
Comment: This sequence change replaces arginine, which is basic and polar, with cysteine, which is neutral and slightly polar, at codon 34092 of the TTN protein (p.Arg34092Cys). This variant is present in population databases (rs765435004, gnomAD 0.02%). This variant has not been reported in the literature in individuals affected with TTN-related conditions. ClinVar contains an entry for this variant (Variation ID: 844649). Experimental studies and prediction algorithms are not available or were not evaluated, and the functional significance of this variant is currently unknown. This variant is located in the M band of TTN (PMID: 25589632). Non-truncating variants in this region may be relevant for neuromuscular disorders, but have not been definitively shown to cause cardiomyopathy (PMID: 23975875). In summary, the available evidence is currently insufficient to determine the role of this variant in disease. Therefore, it has been classified as a Variant of Uncertain Significance.

New York Genome Center
Classification: Uncertain significance for Hypertrophic cardiomyopathy 9; Dilated cardiomyopathy 1G. Last evaluated: 2023-06-02. Review status: criteria provided, single submitter. Criteria: NYGC Assertion Criteria 2020. Collection method: clinical testing. Allele origin: germline. Observed: 1 heterozygote.

Literature cited by the submitters: PubMed 25589632 (cited by Labcorp Genetics (formerly Invitae), Labcorp); PubMed 23975875 (cited by Labcorp Genetics (formerly Invitae), Labcorp).

NM_001267550.2(TTN):c.102274C>T (p.Arg34092Cys)

Genes: TTN (titin; minus strand), TTN-AS1 (TTN antisense RNA 1; plus strand). Cytogenetic location: 2q31.2.
Variant type: single nucleotide variant.
Coding change: c.102274C>T on transcript NM_001267550.2 (MANE Select); coding-DNA position 102274, C replaced by T.
Protein change: p.Arg34092Cys; replaces arginine 34092 with cysteine.
Molecular consequence: missense variant.
Genome position (GRCh38, 1-based): chr2:178,534,341, G>A on the plus strand (C>T on the coding strand, the complement: TTN is on the minus strand). VCF-style: chr2-178534341-G-A. GRCh37 (hg19) VCF-style: chr2-179399068-G-A.
Other names: c.97351C>T, p.Arg32451Cys (NM_001256850.1); c.75079C>T, p.Arg25027Cys (NM_003319.4); c.94570C>T, p.Arg31524Cys (NM_133378.4); c.75454C>T, p.Arg25152Cys (NM_133432.3); c.75655C>T, p.Arg25219Cys (NM_133437.4); short protein forms R25027C, R25219C, R32451C, R31524C, R25152C, R34092C.
Identifiers: ClinVar variation 844649 (VCV000844649.11), dbSNP rs765435004, ClinGen allele CA1985777.
Genomic context (GRCh38, chr2:178,534,341, plus strand): 5'-AGATCCGGGCTGCTGACACAACCATGTTGAGGTCTTTCTTGATCAGGGTGTGGTAATAAC[G>A]CCGGTGTTTTAATGTTCTGATAACTTTAGTACTGACTCTTTCTATCTTCTGCTTCAACCA-3'
Protein context (NP_001254479.2, residues 34082-34102): TKVIRTLKHR[Arg34092Cys]YYHTLIKKDL